The following is an entry in ClinVar:

NM_000376.3(VDR):c.76G>A (p.Val26Met)

Gene: VDR (vitamin D receptor; minus strand). Cytogenetic location: 12q13.11.
Variant type: single nucleotide variant.
Coding change: c.76G>A on transcript NM_000376.3 (MANE Select); coding-DNA position 76, G replaced by A.
Protein change: p.Val26Met; replaces valine 26 with methionine.
Molecular consequence: missense variant.
Genome position (GRCh38, 1-based): chr12:47,879,038, C>T on the plus strand (G>A on the coding strand, the complement: VDR is on the minus strand). VCF-style: chr12-47879038-C-T. GRCh37 (hg19) VCF-style: chr12-48272821-C-T.
Other names: c.76G>A, p.Val26Met (NM_001017535.2, NM_001364085.2, NM_001374661.1 and 1 more transcripts); c.226G>A, p.Val76Met (NM_001017536.2); short protein forms V26M, V76M.
Identifiers: ClinVar variation 2137321 (VCV002137321.4), dbSNP rs1946077078, ClinGen allele CA384515010.

ClinVar aggregate classification (germline): Likely pathogenic (1 of 4 stars; one submission).

Submission:

Labcorp Genetics (formerly Invitae), Labcorp
Classification: Likely pathogenic. Last evaluated: 2022-06-14. Review status: criteria provided, single submitter. Criteria: Invitae Variant Classification Sherloc (09022015). Collection method: clinical testing. Allele origin: germline.
Comment: In summary, the currently available evidence indicates that the variant is pathogenic, but additional data are needed to prove that conclusively. Therefore, this variant has been classified as Likely Pathogenic. Experimental studies have shown that this missense change affects VDR function (PMID: 19815438). Algorithms developed to predict the effect of missense changes on protein structure and function are either unavailable or do not agree on the potential impact of this missense change (SIFT: "Deleterious"; PolyPhen-2: "Probably Damaging"; Align-GVGD: "Class C0"). This missense change has been observed in individuals with rickets (PMID: 19815438, 29201067). It has also been observed to segregate with disease in related individuals. This variant is not present in population databases (gnomAD no frequency). This sequence change replaces valine, which is neutral and non-polar, with methionine, which is neutral and non-polar, at codon 26 of the VDR protein (p.Val26Met).

Literature cited by the submitters: PubMed 19815438; PubMed 29201067.